The following is an entry in ClinVar:

ClinVar aggregate classification (germline): Likely benign (1 of 4 stars; one submission).

Conditions:
UNC13A-related disorder. Also called: UNC13A-related condition.

gnomAD v4.1: 35 of 1,512,524 alleles (0.0023%); highest among the groups gnomAD compares: Middle Eastern, 0.018%; no homozygotes.

Submission:

PreventionGenetics, part of Exact Sciences
Classification: Likely benign for UNC13A-related condition. Last evaluated: 2025-11-06. Review status: criteria provided, single submitter. Criteria: ACMG Guidelines, 2015. Collection method: clinical testing. Allele origin: germline.
Comment: This variant is classified as likely benign based on ACMG/AMP sequence variant interpretation guidelines (Richards et al. 2015 PMID: 25741868, with internal and published modifications).

NM_001080421.3(UNC13A):c.1283+10C>T

Gene: UNC13A (unc-13 homolog A; minus strand). Cytogenetic location: 19p13.11.
Variant type: single nucleotide variant.
Coding change: c.1283+10C>T on transcript NM_001080421.3 (MANE Select); 10 bases into the intron after coding-DNA position 1283, C replaced by T.
Molecular consequence: intron variant.
Genome position (GRCh38, 1-based): chr19:17,655,873, G>A on the plus strand (C>T on the coding strand, the complement: UNC13A is on the minus strand). VCF-style: chr19-17655873-G-A. GRCh37 (hg19) VCF-style: chr19-17766682-G-A.
Other names: c.1283+10C>T (NM_001387022.1, NM_001387023.1, NM_001387021.1).
Identifiers: ClinVar variation 4990096 (VCV004990096.1).